The following is an entry in ClinVar:

NM_000089.4(COL1A2):c.1895C>G (p.Thr632Ser)

Gene: COL1A2 (collagen type I alpha 2 chain; plus strand). Cytogenetic location: 7q21.3.
Variant type: single nucleotide variant.
Coding change: c.1895C>G on transcript NM_000089.4 (MANE Select); coding-DNA position 1895, C replaced by G.
Protein change: p.Thr632Ser; replaces threonine 632 with serine.
Molecular consequence: missense variant.
Genome position (GRCh38, 1-based): chr7:94,417,755, C>G. VCF-style: chr7-94417755-C-G. GRCh37 (hg19) VCF-style: chr7-94047067-C-G.
Other names: short protein forms T632S.
Identifiers: ClinVar variation 2927925 (VCV002927925.3), dbSNP rs758475713, ClinGen allele CA4347229.

ClinVar aggregate classification (germline): Uncertain significance (1 of 4 stars; one submission).

Conditions:
Osteogenesis imperfecta type I (OI1). Also called: Lobstein disease; OI, TYPE I; OSTEOGENESIS IMPERFECTA TARDA; OSTEOGENESIS IMPERFECTA WITH BLUE SCLERAE; Osteogenesis imperfecta type 1; Lobstein's Disease. Identifiers: Orphanet 216796, Orphanet 666, MedGen C0023931, MONDO:0008146, OMIM 166200. Disease mechanism: loss of function.
Ehlers-Danlos syndrome, classic type, 1 (EDSCL1). Also called: EDS I; EHLERS-DANLOS SYNDROME, GRAVIS TYPE; EHLERS-DANLOS SYNDROME, SEVERE CLASSIC TYPE; Ehlers-Danlos syndrome, type 1; Ehlers-Danlos Syndrome, Classic Type, COL5A1-Related. Identifiers: MedGen C0268335, MONDO:0019567, OMIM 130000.

Allele frequency attached by ClinVar (database versions not stated): TOPMed below 0.00001; ExAC 0.00002.
gnomAD v4.1: 3 of 1,601,570 alleles (0.00019%); highest among the groups gnomAD compares: Non-Finnish European, 0.00026%; no homozygotes.

Submission:

Labcorp Genetics (formerly Invitae), Labcorp
Classification: Uncertain significance for Osteogenesis imperfecta type I; Ehlers-Danlos syndrome, classic type, 1. Last evaluated: 2024-03-18. Review status: criteria provided, single submitter. Criteria: Invitae Variant Classification Sherloc (09022015). Collection method: clinical testing. Allele origin: germline.
Comment: This sequence change replaces threonine, which is neutral and polar, with serine, which is neutral and polar, at codon 632 of the COL1A2 protein (p.Thr632Ser). The frequency data for this variant in the population databases is considered unreliable, as metrics indicate poor data quality at this position in the gnomAD database. This variant has not been reported in the literature in individuals affected with COL1A2-related conditions. Advanced modeling of protein sequence and biophysical properties (such as structural, functional, and spatial information, amino acid conservation, physicochemical variation, residue mobility, and thermodynamic stability) performed at Invitae indicates that this missense variant is not expected to disrupt COL1A2 protein function with a negative predictive value of 95%. In summary, the available evidence is currently insufficient to determine the role of this variant in disease. Therefore, it has been classified as a Variant of Uncertain Significance.